The following is an entry in ClinVar:

NM_031935.3(HMCN1):c.15710A>T (p.Asn5237Ile)

Gene: HMCN1 (hemicentin 1; plus strand). Cytogenetic location: 1q31.1.
Variant type: single nucleotide variant.
Coding change: c.15710A>T on transcript NM_031935.3 (MANE Select); coding-DNA position 15710, A replaced by T.
Protein change: p.Asn5237Ile; replaces asparagine 5237 with isoleucine.
Molecular consequence: missense variant.
Genome position (GRCh38, 1-based): chr1:186,172,027, A>T. VCF-style: chr1-186172027-A-T. GRCh37 (hg19) VCF-style: chr1-186141159-A-T.
Other names: short protein forms N5237I.
Identifiers: ClinVar variation 2110512 (VCV002110512.4), dbSNP rs1652262612, ClinGen allele CA343933559.

ClinVar aggregate classification (germline): Uncertain significance (1 of 4 stars; one submission).

Submission:

Labcorp Genetics (formerly Invitae), Labcorp
Classification: Uncertain significance. Last evaluated: 2023-07-17. Review status: criteria provided, single submitter. Criteria: Invitae Variant Classification Sherloc (09022015). Collection method: clinical testing. Allele origin: germline.
Comment: In summary, the available evidence is currently insufficient to determine the role of this variant in disease. Therefore, it has been classified as a Variant of Uncertain Significance. An algorithm developed to predict the effect of missense changes on protein structure and function (PolyPhen-2) suggests that this variant is likely to be tolerated. ClinVar contains an entry for this variant (Variation ID: 2110512). This variant has not been reported in the literature in individuals affected with HMCN1-related conditions. This variant is not present in population databases (gnomAD no frequency). This sequence change replaces asparagine, which is neutral and polar, with isoleucine, which is neutral and non-polar, at codon 5237 of the HMCN1 protein (p.Asn5237Ile).